The following is an entry in ClinVar:

ClinVar aggregate classification (germline): Uncertain significance (1 of 4 stars; one submission).

Submission:

CeGaT Center for Human Genetics Tuebingen
Classification: Uncertain significance. Last evaluated: 2026-07-01. Review status: criteria provided, single submitter. Criteria: CeGaT Center For Human Genetics Tuebingen Variant Classification Criteria Version 2. Collection method: clinical testing. Allele origin: germline. Affected: yes. Observed: 1 variant allele.
Comment: TTN: PM2

NM_001267550.2(TTN):c.38543C>T (p.Pro12848Leu)

Gene: TTN (titin; minus strand). Cytogenetic location: 2q31.2.
Variant type: single nucleotide variant.
Coding change: c.38543C>T on transcript NM_001267550.2 (MANE Select); coding-DNA position 38543, C replaced by T.
Protein change: p.Pro12848Leu; replaces proline 12848 with leucine.
Molecular consequence: missense variant. On other transcripts: intron variant (5).
Genome position (GRCh38, 1-based): chr2:178,653,819, G>A on the plus strand (C>T on the coding strand, the complement: TTN is on the minus strand). VCF-style: chr2-178653819-G-A. GRCh37 (hg19) VCF-style: chr2-179518546-G-A.
Other names: c.13283-11502C>T (NM_003319.4); c.13859-11502C>T (NM_133437.4); c.13658-11502C>T (NM_133432.3); c.31742-1278C>T (NM_133378.4); c.34523-1278C>T (NM_001256850.1); short protein forms P12848L.
Identifiers: ClinVar variation 5040242 (VCV005040242.1).